The following is an entry in ClinVar:

ClinVar aggregate classification (germline): Uncertain significance (1 of 4 stars; one submission).

Submission:

Women's Health and Genetics/Laboratory Corporation of America, LabCorp
Classification: Uncertain significance. Last evaluated: 2024-02-16. Review status: criteria provided, single submitter. Criteria: LabCorp Variant Classification Summary - May 2015. Collection method: clinical testing. Allele origin: germline.
Comment: Variant summary: COL11A1 c.4249-6C>A alters a conserved nucleotide located close to a canonical splice site and therefore could affect mRNA splicing, leading to a significantly altered protein sequence. Consensus agreement among computation tools predict no significant impact on normal splicing. However, these predictions have yet to be confirmed by functional studies. The frequency data for this variant in gnomAD is considered unreliable, as metrics indicate poor data quality at this position. To our knowledge, no occurrence of c.4249-6C>A in individuals affected with Stickler Syndrome and no experimental evidence demonstrating its impact on protein function have been reported. No submitters have cited clinical-significance assessments for this variant to ClinVar. Based on the evidence outlined above, the variant was classified as uncertain significance.

NM_001854.4(COL11A1):c.4249-6C>A

Gene: COL11A1 (collagen type XI alpha 1 chain; minus strand). Cytogenetic location: 1p21.1.
Variant type: single nucleotide variant.
Coding change: c.4249-6C>A on transcript NM_001854.4 (MANE Select); 6 bases into the intron before coding-DNA position 4249, C replaced by A.
Molecular consequence: intron variant.
Genome position (GRCh38, 1-based): chr1:102,898,184, G>T on the plus strand (C>A on the coding strand, the complement: COL11A1 is on the minus strand). VCF-style: chr1-102898184-G-T. GRCh37 (hg19) VCF-style: chr1-103363740-G-T.
Other names: c.4132-6C>A (NM_001190709.2); c.4285-6C>A (NM_080629.3); c.3901-6C>A (NM_080630.4).
Identifiers: ClinVar variation 3068978 (VCV003068978.2), dbSNP rs752114917, ClinGen allele CA973620.